The following is an entry in ClinVar:

NM_001849.4(COL6A2):c.974G>T (p.Gly325Val)

Gene: COL6A2 (collagen type VI alpha 2 chain; plus strand). Cytogenetic location: 21q22.3.
Variant type: single nucleotide variant.
Coding change: c.974G>T on transcript NM_001849.4 (MANE Select); coding-DNA position 974, G replaced by T.
Protein change: p.Gly325Val; replaces glycine 325 with valine.
Molecular consequence: missense variant.
Genome position (GRCh38, 1-based): chr21:46,116,789, G>T. VCF-style: chr21-46116789-G-T. GRCh37 (hg19) VCF-style: chr21-47536703-G-T.
Other names: c.974G>T, p.Gly325Val (NM_058174.3, NM_058175.3); short protein forms G325V.
Identifiers: ClinVar variation 2109518 (VCV002109518.4), dbSNP rs1261759957, ClinGen allele CA410527235.
Genomic context (GRCh38, chr21:46,116,789, plus strand): 5'-GGACCGGGGCTAATGGAGTTCCCTCTTCCTTCTCTCTTCAGGGGGCCCCTGGCCTGGCTG[G>T]CAAGAACGGGACCGATGGACAGAAGGTAGAGGGAGCCTCGGGCTCACAGCTGGACTGGTC-3'
Protein context (NP_001840.3, residues 315-335): DGRKGAPGLA[Gly325Val]KNGTDGQKGK

ClinVar aggregate classification (germline): Uncertain significance (1 of 4 stars; one submission).

Conditions:
Bethlem myopathy 1A. Also called: MYOPATHY, BENIGN CONGENITAL, WITH CONTRACTURES; Bethlem myopathy 1; Bethlem Muscular Dystrophy. Identifiers: Orphanet 610, MedGen CN029274, MONDO:0024530, OMIM 158810.

gnomAD v4.1: 1 of 1,613,008 alleles (0.000062%); highest among the groups gnomAD compares: Non-Finnish European, 0.000085%; no homozygotes.

Submission:

Labcorp Genetics (formerly Invitae), Labcorp
Classification: Uncertain significance for Bethlem myopathy 1A. Last evaluated: 2024-12-02. Review status: criteria provided, single submitter. Criteria: Invitae Variant Classification Sherloc (09022015). Collection method: clinical testing. Allele origin: germline.
Comment: This sequence change replaces glycine, which is neutral and non-polar, with valine, which is neutral and non-polar, at codon 325 of the COL6A2 protein (p.Gly325Val). This variant is not present in population databases (gnomAD no frequency). This variant has not been reported in the literature in individuals affected with COL6A2-related conditions. ClinVar contains an entry for this variant (Variation ID: 2109518). Invitae Evidence Modeling of protein sequence and biophysical properties (such as structural, functional, and spatial information, amino acid conservation, physicochemical variation, residue mobility, and thermodynamic stability) indicates that this missense variant is expected to disrupt COL6A2 protein function with a positive predictive value of 80%. This variant disrupts the triple helix domain of COL6A2. Glycine residues within the Gly-Xaa-Yaa repeats of the triple helix domain are required for the structure and stability of fibrillar collagens (PMID: 7695699, 8218237, 19344236). In COL6A2, missense variants at these glycine residues are significantly enriched in individuals with autosomal dominant disease (PMID: 15689448, 24038877) compared to the general population (ExAC). In summary, the available evidence is currently insufficient to determine the role of this variant in disease. Therefore, it has been classified as a Variant of Uncertain Significance.

Literature cited by the submitters: PubMed 7695699; PubMed 8218237; PubMed 19344236; PubMed 15689448; PubMed 24038877.